The following is an entry in ClinVar:

ClinVar aggregate classification (germline): Conflicting classifications of pathogenicity. Review status: criteria provided, conflicting classifications (1 of 4 stars). 4 submissions from 4 submitters: Uncertain significance (3); Likely benign (1). Last evaluated 2025-07-14.

Conditions:
Cardiovascular phenotype. Identifiers: MedGen CN230736.
Cardiomyopathy (CMYO). Also called: Cardiomyopathies. Identifiers: Orphanet 167848, MedGen C0878544, MONDO:0004994, HP:0001638. Inheritance: Various modes of inheritance.
Arrhythmogenic cardiomyopathy with wooly hair and keratoderma. Also called: PALMOPLANTAR KERATODERMA WITH LEFT VENTRICULAR CARDIOMYOPATHY AND WOOLLY HAIR; Dilated cardiomyopathy with woolly hair and keratoderma; Arrhythmogenic cardiomyopathy with woolly hair and keratoderma; Carvajal syndrome. Identifiers: Orphanet 65282, MedGen C1854063, MONDO:0011581, OMIM 605676.
Arrhythmogenic right ventricular dysplasia 8 (ARVD8). Also called: ARRHYTHMOGENIC RIGHT VENTRICULAR DYSPLASIA, FAMILIAL, 8; ARRHYTHMOGENIC RIGHT VENTRICULAR CARDIOMYOPATHY 8; Arrhythmogenic Right Ventricular Dysplasia/Cardiomyopathy 8. Identifiers: MedGen C1843896, MONDO:0011831, OMIM 607450.

Allele frequency attached by ClinVar (database versions not stated): ExAC 0.00001; gnomAD 0.00001; TOPMed 0.00001.
gnomAD v4.1: 3 of 1,614,122 alleles (0.00019%); highest among the groups gnomAD compares: South Asian, 0.0011%; no homozygotes.

Submissions (4):

Color Diagnostics, LLC DBA Color Health
Classification: Uncertain significance for Cardiomyopathy. Last evaluated: 2025-07-14. Review status: criteria provided, single submitter. Criteria: ACMG Guidelines, 2015. Collection method: clinical testing. Allele origin: germline.
Comment: This missense variant replaces alanine with valine at codon 2805 of the DSP protein. Computational prediction suggests that this variant may not impact protein structure and function. To our knowledge, functional studies have not been reported for this variant. This variant has not been reported in individuals affected with DSP-related disorders in the literature. This variant has been identified in 2/251082 chromosomes in the general population by the Genome Aggregation Database (gnomAD). The available evidence is insufficient to determine the role of this variant in disease conclusively. Therefore, this variant is classified as a Variant of Uncertain Significance.

GeneDx
Classification: Uncertain significance. Last evaluated: 2025-05-08. Review status: criteria provided, single submitter. Criteria: GeneDx Variant Classification Process June 2021. Collection method: clinical testing. Allele origin: germline. Affected: yes.
Comment: Not observed at significant frequency in large population cohorts (gnomAD); In silico analysis supports that this missense variant has a deleterious effect on protein structure/function; Has not been previously published as pathogenic or benign to our knowledge

Molecular Diagnostic Laboratory for Inherited Cardiovascular Disease, Montreal Heart Institute
Classification: Uncertain significance for Cardiovascular phenotype. Last evaluated: 2025-02-17. Review status: criteria provided, single submitter. Criteria: ACMG Guidelines, 2015. Collection method: clinical testing. Allele origin: germline. Affected: yes.

Labcorp Genetics (formerly Invitae), Labcorp
Classification: Likely benign for Arrhythmogenic cardiomyopathy with wooly hair and keratoderma; Arrhythmogenic right ventricular dysplasia 8. Last evaluated: 2024-02-06. Review status: criteria provided, single submitter. Criteria: Invitae Variant Classification Sherloc (09022015). Collection method: clinical testing. Allele origin: germline.

NM_004415.4(DSP):c.8414C>T (p.Ala2805Val)

Gene: DSP (desmoplakin; plus strand). Cytogenetic location: 6p24.3.
Variant type: single nucleotide variant.
Coding change: c.8414C>T on transcript NM_004415.4 (MANE Select); coding-DNA position 8414, C replaced by T.
Protein change: p.Ala2805Val; replaces alanine 2805 with valine.
Molecular consequence: missense variant.
Genome position (GRCh38, 1-based): chr6:7,585,676, C>T. VCF-style: chr6-7585676-C-T. GRCh37 (hg19) VCF-style: chr6-7585909-C-T.
Other names: c.8414C>T (NM_004415.3); c.6617C>T, p.Ala2206Val (NM_001008844.3); c.7085C>T, p.Ala2362Val (NM_001319034.2); short protein forms A2362V, A2805V, A2206V.
Identifiers: ClinVar variation 2138916 (VCV002138916.7), dbSNP rs761351091, ClinGen allele CA052251.
Genomic context (GRCh38, chr6:7,585,676, plus strand): 5'-ATAAGGATGCCATAAATCGCTCCATGGTAGAAGATATCACTGGGCTGCGCCTTCTGGAAG[C>T]CGCCTCCGTGTCGTCCAAGGGCTTACCCAGCCCTTACAACATGTCTTCGGCTCCGGGGTC-3'
Protein context (NP_004406.2, residues 2795-2815): EDITGLRLLE[Ala2805Val]ASVSSKGLPS